The following is an entry in ClinVar:

NM_002769.5(PRSS1):c.290C>T (p.Pro97Leu)

Genes: TRB (T cell receptor beta locus; plus strand), PRSS1 (serine protease 1; plus strand). Cytogenetic location: 7q34.
Variant type: single nucleotide variant.
Coding change: c.290C>T on transcript NM_002769.5 (MANE Select); coding-DNA position 290, C replaced by T.
Protein change: p.Pro97Leu; replaces proline 97 with leucine.
Molecular consequence: missense variant. On other transcripts: non-coding transcript variant (4).
Genome position (GRCh38, 1-based): chr7:142,751,863, C>T. VCF-style: chr7-142751863-C-T. GRCh37 (hg19) VCF-style: chr7-142459714-C-T.
Other names: short protein forms P97L.
Identifiers: ClinVar variation 1797563 (VCV001797563.3), dbSNP rs765315575, ClinGen allele CA4529908.

ClinVar aggregate classification (germline): Uncertain significance (1 of 4 stars; one submission).

Conditions:
Hereditary pancreatitis (PCTT). Also called: Hereditary chronic pancreatitis; PRSS1-Related Hereditary Pancreatitis. Identifiers: Orphanet 676, MedGen C0238339, MONDO:0008185, OMIM 167800.

Allele frequency attached by ClinVar (database versions not stated): gnomAD exomes below 0.00001; ExAC 0.00002.

Submission:

Ambry Genetics
Classification: Uncertain significance for Hereditary pancreatitis. Last evaluated: 2025-11-02. Review status: criteria provided, single submitter. Criteria: Ambry Variant Classification Scheme 2023. Collection method: clinical testing. Allele origin: germline.
Comment: The p.P97L variant (also known as c.290C>T), located in coding exon 3 of the PRSS1 gene, results from a C to T substitution at nucleotide position 290. The proline at codon 97 is replaced by leucine, an amino acid with similar properties. This amino acid position is conserved. In addition, this alteration is predicted to be deleterious by in silico analysis. Since supporting evidence is limited at this time, the clinical significance of this alteration remains unclear.